The following is an entry in ClinVar:

NM_022152.6(TMBIM1):c.202G>A (p.Gly68Ser)

Genes: PNKD (PNKD metallo-beta-lactamase domain containing; plus strand), TMBIM1 (transmembrane BAX inhibitor motif containing 1; minus strand). Cytogenetic location: 2q35.
Variant type: single nucleotide variant.
Coding change: c.202G>A on transcript NM_022152.6 (MANE Select); coding-DNA position 202, G replaced by A.
Protein change: p.Gly68Ser; replaces glycine 68 with serine.
Molecular consequence: missense variant. On other transcripts: 5 prime UTR variant (1), intron variant (1).
Genome position (GRCh38, 1-based): chr2:218,281,940, C>T on the plus strand (G>A on the coding strand, the complement: TMBIM1 is on the minus strand). VCF-style: chr2-218281940-C-T. GRCh37 (hg19) VCF-style: chr2-219146663-C-T.
Other names: NC_000002.11:g.219146663C>T; c.202G>A, p.Gly68Ser (NM_001321427.2, NM_001321428.2, NM_001321429.2 and 5 more transcripts); c.-67G>A (NM_001321438.2); c.236+10391C>T (NM_015488.5); short protein forms G68S.
Identifiers: ClinVar variation 1675837 (VCV001675837.35), dbSNP rs143066899, ClinGen allele CA2103724.

ClinVar aggregate classification (germline): Benign/Likely benign. Review status: criteria provided, multiple submitters, no conflicts (2 of 4 stars). 2 submissions from 2 submitters: Benign (1); Likely benign (1). Last evaluated 2025-08-01.

Allele frequency attached by ClinVar (database versions not stated): ESP Exome Variant Server 0.00270; gnomAD 0.00280 and 0.00295; TOPMed 0.00288; gnomAD exomes 0.00302; 1000 Genomes Project 0.00359; 1000 Genomes Project 30x 0.00422; ExAC 0.00673.
gnomAD v4.1: 5,266 of 1,592,592 alleles (0.33%); highest among the groups gnomAD compares: Middle Eastern, 0.72%; 22 homozygotes.

Submissions (31):

CeGaT Center for Human Genetics Tuebingen
Classification: Likely benign. Last evaluated: 2025-08-01. Review status: criteria provided, single submitter. Criteria: CeGaT Center For Human Genetics Tuebingen Variant Classification Criteria Version 2. Collection method: clinical testing. Allele origin: germline. Affected: yes. Observed: 5 variant alleles.
Comment: PNKD: BS2; TMBIM1: BP4, BS2

Breakthrough Genomics
Classification: Benign. Review status: criteria provided, single submitter. Criteria: ACMG Guidelines, 2015. Collection method: not provided. Allele origin: germline. Inheritance: Autosomal dominant inheritance. Affected: yes.

Dr. Peter K. Rogan Lab, Western University
No classification provided (evidence only). Condition: Malignant tumor of urinary bladder. Review status: no classification provided. Collection method: in vitro. Allele origin: not applicable. Functional consequence: skipped exon, retained intron. Not counted in ClinVar's aggregate classification.

Dr. Peter K. Rogan Lab, Western University
No classification provided (evidence only). Condition: Malignant tumor of urinary bladder. Review status: no classification provided. Collection method: in vitro. Allele origin: not applicable. Functional consequence: skipped exon, retained intron. Not counted in ClinVar's aggregate classification.

Dr. Peter K. Rogan Lab, Western University
No classification provided (evidence only). Condition: Malignant tumor of urinary bladder. Review status: no classification provided. Collection method: in vitro. Allele origin: not applicable. Functional consequence: skipped exon, retained intron. Not counted in ClinVar's aggregate classification.

Dr. Peter K. Rogan Lab, Western University
No classification provided (evidence only). Condition: Clear cell carcinoma of kidney. Review status: no classification provided. Collection method: in vitro. Allele origin: not applicable. Functional consequence: skipped exon, retained intron. Not counted in ClinVar's aggregate classification.

Dr. Peter K. Rogan Lab, Western University
No classification provided (evidence only). Condition: Clear cell carcinoma of kidney. Review status: no classification provided. Collection method: in vitro. Allele origin: not applicable. Functional consequence: skipped exon. Not counted in ClinVar's aggregate classification.

Dr. Peter K. Rogan Lab, Western University
No classification provided (evidence only). Condition: Clear cell carcinoma of kidney. Review status: no classification provided. Collection method: in vitro. Allele origin: not applicable. Functional consequence: skipped exon, retained intron. Not counted in ClinVar's aggregate classification.

Dr. Peter K. Rogan Lab, Western University
No classification provided (evidence only). Condition: Clear cell carcinoma of kidney. Review status: no classification provided. Collection method: in vitro. Allele origin: not applicable. Functional consequence: skipped exon, retained intron. Not counted in ClinVar's aggregate classification.

Dr. Peter K. Rogan Lab, Western University
No classification provided (evidence only). Condition: Clear cell carcinoma of kidney. Review status: no classification provided. Collection method: in vitro. Allele origin: not applicable. Functional consequence: skipped exon, retained intron. Not counted in ClinVar's aggregate classification.

Dr. Peter K. Rogan Lab, Western University
No classification provided (evidence only). Condition: Familial cancer of breast. Review status: no classification provided. Collection method: in vitro. Allele origin: not applicable. Functional consequence: skipped exon. Not counted in ClinVar's aggregate classification.

Dr. Peter K. Rogan Lab, Western University
No classification provided (evidence only). Condition: Familial cancer of breast. Review status: no classification provided. Collection method: in vitro. Allele origin: not applicable. Functional consequence: skipped exon. Not counted in ClinVar's aggregate classification.

Dr. Peter K. Rogan Lab, Western University
No classification provided (evidence only). Condition: Familial cancer of breast. Review status: no classification provided. Collection method: in vitro. Allele origin: not applicable. Functional consequence: skipped exon, retained intron. Not counted in ClinVar's aggregate classification.

Dr. Peter K. Rogan Lab, Western University
No classification provided (evidence only). Condition: Familial cancer of breast. Review status: no classification provided. Collection method: in vitro. Allele origin: not applicable. Functional consequence: retained intron. Not counted in ClinVar's aggregate classification.

Dr. Peter K. Rogan Lab, Western University
No classification provided (evidence only). Condition: Familial cancer of breast. Review status: no classification provided. Collection method: in vitro. Allele origin: not applicable. Functional consequence: skipped exon. Not counted in ClinVar's aggregate classification.

Dr. Peter K. Rogan Lab, Western University
No classification provided (evidence only). Condition: Acute myeloid leukemia. Review status: no classification provided. Collection method: in vitro. Allele origin: not applicable. Functional consequence: retained intron. Not counted in ClinVar's aggregate classification.

Dr. Peter K. Rogan Lab, Western University
No classification provided (evidence only). Condition: Thyroid cancer, nonmedullary, 1. Review status: no classification provided. Collection method: in vitro. Allele origin: not applicable. Functional consequence: skipped exon, retained intron. Not counted in ClinVar's aggregate classification.

Dr. Peter K. Rogan Lab, Western University
No classification provided (evidence only). Condition: Thyroid cancer, nonmedullary, 1. Review status: no classification provided. Collection method: in vitro. Allele origin: not applicable. Functional consequence: skipped exon. Not counted in ClinVar's aggregate classification.

Dr. Peter K. Rogan Lab, Western University
No classification provided (evidence only). Condition: Uterine corpus endometrial carcinoma. Review status: no classification provided. Collection method: in vitro. Allele origin: not applicable. Functional consequence: retained intron. Not counted in ClinVar's aggregate classification.

Dr. Peter K. Rogan Lab, Western University
No classification provided (evidence only). Condition: Cervical cancer. Review status: no classification provided. Collection method: in vitro. Allele origin: not applicable. Functional consequence: skipped exon, retained intron. Not counted in ClinVar's aggregate classification.

Dr. Peter K. Rogan Lab, Western University
No classification provided (evidence only). Condition: Sarcoma. Review status: no classification provided. Collection method: in vitro. Allele origin: not applicable. Functional consequence: skipped exon, retained intron. Not counted in ClinVar's aggregate classification.

Dr. Peter K. Rogan Lab, Western University
No classification provided (evidence only). Condition: Thymoma. Review status: no classification provided. Collection method: in vitro. Allele origin: not applicable. Functional consequence: skipped exon, retained intron. Not counted in ClinVar's aggregate classification.

Dr. Peter K. Rogan Lab, Western University
No classification provided (evidence only). Condition: Ovarian serous cystadenocarcinoma. Review status: no classification provided. Collection method: in vitro. Allele origin: not applicable. Functional consequence: skipped exon, retained intron. Not counted in ClinVar's aggregate classification.

Dr. Peter K. Rogan Lab, Western University
No classification provided (evidence only). Condition: Ovarian serous cystadenocarcinoma. Review status: no classification provided. Collection method: in vitro. Allele origin: not applicable. Functional consequence: skipped exon. Not counted in ClinVar's aggregate classification.

Dr. Peter K. Rogan Lab, Western University
No classification provided (evidence only). Condition: Malignant tumor of esophagus. Review status: no classification provided. Collection method: in vitro. Allele origin: not applicable. Functional consequence: skipped exon, retained intron. Not counted in ClinVar's aggregate classification.

Dr. Peter K. Rogan Lab, Western University
No classification provided (evidence only). Condition: Malignant tumor of esophagus. Review status: no classification provided. Collection method: in vitro. Allele origin: not applicable. Functional consequence: retained intron. Not counted in ClinVar's aggregate classification.

Dr. Peter K. Rogan Lab, Western University
No classification provided (evidence only). Condition: Familial pancreatic carcinoma. Review status: no classification provided. Collection method: in vitro. Allele origin: not applicable. Functional consequence: skipped exon. Not counted in ClinVar's aggregate classification.

Dr. Peter K. Rogan Lab, Western University
No classification provided (evidence only). Condition: Familial pancreatic carcinoma. Review status: no classification provided. Collection method: in vitro. Allele origin: not applicable. Functional consequence: skipped exon, retained intron. Not counted in ClinVar's aggregate classification.

Dr. Peter K. Rogan Lab, Western University
No classification provided (evidence only). Condition: Familial pancreatic carcinoma. Review status: no classification provided. Collection method: in vitro. Allele origin: not applicable. Functional consequence: skipped exon, retained intron. Not counted in ClinVar's aggregate classification.

Dr. Peter K. Rogan Lab, Western University
No classification provided (evidence only). Condition: Familial pancreatic carcinoma. Review status: no classification provided. Collection method: in vitro. Allele origin: not applicable. Functional consequence: skipped exon, retained intron. Not counted in ClinVar's aggregate classification.

Dr. Peter K. Rogan Lab, Western University
No classification provided (evidence only). Condition: Ovarian cancer. Review status: no classification provided. Collection method: in vitro. Allele origin: not applicable. Functional consequence: skipped exon. Not counted in ClinVar's aggregate classification.